The following is an entry in ClinVar:

NM_021913.5(AXL):c.986C>T (p.Pro329Leu)

Gene: AXL (AXL receptor tyrosine kinase; plus strand). Cytogenetic location: 19q13.2.
Variant type: single nucleotide variant.
Coding change: c.986C>T on transcript NM_021913.5 (MANE Select); coding-DNA position 986, C replaced by T.
Protein change: p.Pro329Leu; replaces proline 329 with leucine.
Molecular consequence: missense variant.
Genome position (GRCh38, 1-based): chr19:41,238,146, C>T. VCF-style: chr19-41238146-C-T. GRCh37 (hg19) VCF-style: chr19-41744051-C-T.
Other names: c.182C>T, p.Pro61Leu (NM_001278599.2); c.986C>T, p.Pro329Leu (NM_001699.6); short protein forms P61L, P329L.
Identifiers: ClinVar variation 2063082 (VCV002063082.4), dbSNP rs779526458, ClinGen allele CA9458133.

ClinVar aggregate classification (germline): Uncertain significance (1 of 4 stars; one submission).

Allele frequency attached by ClinVar (database versions not stated): ExAC 0.00002; gnomAD 0.00001; gnomAD exomes 0.00002; TOPMed 0.00002.
gnomAD v4.1: 28 of 1,613,912 alleles (0.0017%); highest among the groups gnomAD compares: East Asian, 0.0089%; no homozygotes.

Submission:

Labcorp Genetics (formerly Invitae), Labcorp
Classification: Uncertain significance. Last evaluated: 2024-10-21. Review status: criteria provided, single submitter. Criteria: Invitae Variant Classification Sherloc (09022015). Collection method: clinical testing. Allele origin: germline.
Comment: This sequence change replaces proline, which is neutral and non-polar, with leucine, which is neutral and non-polar, at codon 329 of the AXL protein (p.Pro329Leu). This variant is present in population databases (rs779526458, gnomAD 0.006%). This variant has not been reported in the literature in individuals affected with AXL-related conditions. ClinVar contains an entry for this variant (Variation ID: 2063082). Invitae Evidence Modeling of protein sequence and biophysical properties (such as structural, functional, and spatial information, amino acid conservation, physicochemical variation, residue mobility, and thermodynamic stability) indicates that this missense variant is not expected to disrupt AXL protein function with a negative predictive value of 80%. In summary, the available evidence is currently insufficient to determine the role of this variant in disease. Therefore, it has been classified as a Variant of Uncertain Significance.